The following is an entry in ClinVar:

NM_000419.5(ITGA2B):c.3092del (p.Leu1031fs)

Gene: ITGA2B (integrin subunit alpha 2b; minus strand). Cytogenetic location: 17q21.31.
Variant type: Deletion.
Coding change: c.3092del on transcript NM_000419.5 (MANE Select); coding-DNA position 3092, one base deleted (T; older notation c.3092delT).
Protein change: p.Leu1031fs; shifts the reading frame from leucine 1031.
Molecular consequence: frameshift variant.
Genome position (GRCh38, 1-based): chr17:44,372,392, A deleted on the plus strand (T on the coding strand, the reverse complement: ITGA2B is on the minus strand). VCF-style (leftmost placement, unchanged base first): chr17-44372391-CA-C. GRCh37 (hg19) VCF-style: chr17-42449759-CA-C.
Other names: NM_000419.5:c.3092del; c.3092delT (NM_000419.5); short protein forms L1031fs.
Identifiers: ClinVar variation 1691488 (VCV001691488.6), dbSNP rs2143417444, ClinGen allele CA915940323.
Genomic context (GRCh38, chr17:44,372,391, plus strand): 5'-AACCCTCCTGCTAGAATAGTGTAGGCTGCACCATCACTCCCCCTCTTCATCATCTTCTTC[CA>C]GGGGTGGCCGGTTCCGCTTGAAGAAGCCGACCTGGGGGTACACGGGGGCCAAGGTCAGGG-3'

ClinVar aggregate classification (germline): Likely pathogenic. Review status: reviewed by expert panel (3 of 4 stars). 4 submissions from 4 submitters: Likely pathogenic (1). 3 of the submissions do not count toward it. Last evaluated 2021-12-02.

Conditions:
ITGA2B-related disorder. Also called: ITGA2B-related disorders; ITGA2B-related condition.
Glanzmann thrombasthenia 1 (GT1). Also called: BLEEDING DISORDER, PLATELET-TYPE, 2; GP IIb-IIIa COMPLEX DEFICIENCY; GLYCOPROTEIN COMPLEX IIb-IIIa DEFICIENCY; PLATELET FIBRINOGEN RECEPTOR DEFICIENCY. Identifiers: MedGen CN300358, MONDO:0031332, OMIM 273800.
Platelet-type bleeding disorder 16 (BDPLT16). Also called: Bleeding disorder, platelet-type, 16, autosomal dominant. Identifiers: Orphanet 140957, MedGen C5442010, MONDO:0008552, OMIM 187800.
Glanzmann thrombasthenia. Also called: PLATELET GLYCOPROTEIN IIb-IIIa DEFICIENCY; THROMBASTHENIA OF GLANZMANN AND NAEGELI; Thrombasthenia; Glanzmann's thrombasthenia. Identifiers: Orphanet 849, MedGen C0040015, MONDO:0100326.

Allele frequency attached by ClinVar (database versions not stated): gnomAD exomes below 0.00001.

Submissions (4):

ClinGen Platelet Disorders Variant Curation Expert Panel, ClinGen
Classification: Likely pathogenic for Glanzmann thrombasthenia. Last evaluated: 2021-12-02. Review status: reviewed by expert panel. Criteria: ClinGen Platelet ACMG Specifications v2-1. Collection method: curation. Allele origin: germline. Inheritance: Autosomal recessive inheritance.
Comment: The NM_000419.5(ITGA2B):c.3092del (p.Leu1031ArgfsTer?) variant causes a frameshift and subsequent stop loss. This results in the addition of 90 amino acids to the ITGA2B protein, beyond the cytoplasmic domain (PM4). The variant is absent from gnomAD v2.1.1 (PM2_Supporting). At least one patient (Patient GT11 in PMID:25373348) with this variant displayed mucocutaneous bleeding and impaired aggregation with all agonists except ristocetin, which is highly specific for Glanzmann thrombasthenia. Additionally, alphaIIbbeta3 surface expression was reduced between 5% and 20% and function was pathological, as measured by flow cytometry (PP4_strong). In summary this variant meets criteria to be classified as Likely Pathogenic for autosomal recessive Glanzmann Thrombasthenia based on the ACMG/AMP criteria applied, as specified by the ClinGen PD VCEP: PP4_strong, PM2_supporting, PM3_supporting, PM4. (VCEP specifications version 2; date of approval xx/xx/xxxx)

Fulgent Genetics
Classification: Likely pathogenic for Platelet-type bleeding disorder 16; Glanzmann thrombasthenia 1. Last evaluated: 2024-03-20. Review status: criteria provided, single submitter. Criteria: ACMG Guidelines, 2015. Collection method: clinical testing. Allele origin: germline. Not counted in ClinVar's aggregate classification.

Women's Health and Genetics/Laboratory Corporation of America, LabCorp
Classification: Likely pathogenic for Glanzmann thrombasthenia 1. Last evaluated: 2024-03-19. Review status: criteria provided, single submitter. Criteria: LabCorp Variant Classification Summary - May 2015. Collection method: clinical testing. Allele origin: germline. Not counted in ClinVar's aggregate classification.
Comment: Variant summary: ITGA2B c.3092delT (p.Leu1031ArgfsX70+) causes a frameshift which results in an extension of the protein. This variant results in the addition of 90 amino acids to the ITGA2B protein, beyond the cytoplasmic domain. The variant was absent in 251356 control chromosomes. c.3092delT has been reported in the literature in at-least two individuals affected with Glanzmann thrombasthenia, in each case, it was at a compound heterozygous along with a different pathogenic missense (example, Sandrock-Lang_2015, Sharma_2021). These data indicate that the variant may be associated with disease. Additionally, a similar extension variant c.3091delC variant causes a frameshift Leu1031TrpfsTer97 and subsequent stop loss, also adds 90 amino acids to the ITGA2B protein, and was evaluated Likely Pathogenic per ClinGen Platelet Disorders Variant Curation Expert Panel (ClinVar ID 1879040). To our knowledge, no experimental evidence demonstrating an impact on protein function has been reported. The following publications have been ascertained in the context of this evaluation (PMID: 25373348, 34267460). ClinVar contains an entry for this variant (Variation ID: 1691488). Based on the evidence outlined above, the variant was classified as likely pathogenic.

Blueprint Genetics
Classification: Likely pathogenic for ITGA2B-related disorders. Last evaluated: 2023-05-03. Review status: criteria provided, single submitter. Criteria: ACMG Guidelines, 2015. Collection method: clinical testing. Allele origin: germline. Affected: yes. Observed: 3 variant alleles. Not counted in ClinVar's aggregate classification.

Literature cited by the submitters: PubMed 25373348 (cited by Women's Health and Genetics/Laboratory Corporation of America, LabCorp); PubMed 34267460 (cited by Women's Health and Genetics/Laboratory Corporation of America, LabCorp).